The following is an entry in ClinVar:

NM_000257.4(MYH7):c.2250C>T (p.Asp750=)

Gene: MYH7 (myosin heavy chain 7; minus strand). Cytogenetic location: 14q11.2.
Variant type: single nucleotide variant.
Coding change: c.2250C>T on transcript NM_000257.4 (MANE Select); coding-DNA position 2250, C replaced by T.
Protein change: p.Asp750=; no amino-acid change (aspartic acid 750 retained).
Molecular consequence: synonymous variant.
Genome position (GRCh38, 1-based): chr14:23,425,731, G>A on the plus strand (C>T on the coding strand, the complement: MYH7 is on the minus strand). VCF-style: chr14-23425731-G-A. GRCh37 (hg19) VCF-style: chr14-23894940-G-A.
Identifiers: ClinVar variation 923582 (VCV000923582.10), dbSNP rs144942248, ClinGen allele CA257820668.
Genomic context (GRCh38, chr14:23,425,731, plus strand): 5'-AATTAATTAGTCTCCTTTCCTCACCTTGGTGTGGCCAAACTTGTACTGGTTGTGATCAAT[G>A]TCCAGGGAGCTGAGCAGCTTCTCTGCCCCCTTCCTGCTATCAATGAACTGTCCCTCAGGG-3'
Protein context (NP_000248.2, residues 740-760): KGAEKLLSSL[Asp750=]IDHNQYKFGH

ClinVar aggregate classification (germline): Likely benign. Review status: criteria provided, multiple submitters, no conflicts (2 of 4 stars). 4 submissions from 4 submitters: Likely benign (4). Last evaluated 2024-09-23.

Conditions:
Hypertrophic cardiomyopathy. Also called: HYPERTROPHIC MYOCARDIOPATHY. Identifiers: Orphanet 217569, MedGen C0007194, MeSH D002312, MONDO:0005045, HP:0001639.
Cardiovascular phenotype. Identifiers: MedGen CN230736.
Cardiomyopathy (CMYO). Also called: Cardiomyopathies. Identifiers: Orphanet 167848, MedGen C0878544, MONDO:0004994, HP:0001638. Inheritance: Various modes of inheritance.

Allele frequency attached by ClinVar (database versions not stated): gnomAD exomes below 0.00001 and 0.00001; TOPMed below 0.00001; ESP Exome Variant Server 0.00008.
gnomAD v4.1: 14 of 1,614,002 alleles (0.00087%); highest among the groups gnomAD compares: Non-Finnish European, 0.0011%; no homozygotes.

Submissions (4):

All of Us Research Program, National Institutes of Health
Classification: Likely benign for Cardiomyopathy. Last evaluated: 2024-09-23. Review status: criteria provided, single submitter. Criteria: ACMG Guidelines, 2015. Collection method: clinical testing. Allele origin: germline. Inheritance: Autosomal dominant inheritance. Observed: 3 variant alleles, 3 heterozygotes.
Comment: This study involves interpretation of variants in research participants for the purpose of population health screening. Participant phenotype was not available at the time of variant classification. Additional details can be found in publication PMID: 35346344, PMCID: PMC8962531

Labcorp Genetics (formerly Invitae), Labcorp
Classification: Likely benign for Hypertrophic cardiomyopathy. Last evaluated: 2023-12-31. Review status: criteria provided, single submitter. Criteria: Invitae Variant Classification Sherloc (09022015). Collection method: clinical testing. Allele origin: germline.

Ambry Genetics
Classification: Likely benign for Cardiovascular phenotype. Last evaluated: 2021-03-06. Review status: criteria provided, single submitter. Criteria: Ambry Variant Classification Scheme 2023. Collection method: clinical testing. Allele origin: germline.

Color Diagnostics, LLC DBA Color Health
Classification: Likely benign for Cardiomyopathy. Last evaluated: 2019-07-27. Review status: criteria provided, single submitter. Criteria: ACMG Guidelines, 2015. Collection method: clinical testing. Allele origin: germline.